The following is an entry in ClinVar:

NM_005216.5(DDOST):c.1151A>G (p.His384Arg)

Gene: DDOST (dolichyl-diphosphooligosaccharide--protein glycosyltransferase non-catalytic subunit; minus strand). Cytogenetic location: 1p36.12.
Variant type: single nucleotide variant.
Coding change: c.1151A>G on transcript NM_005216.5 (MANE Select); coding-DNA position 1151, A replaced by G.
Protein change: p.His384Arg; replaces histidine 384 with arginine.
Molecular consequence: missense variant.
Genome position (GRCh38, 1-based): chr1:20,652,640, T>C on the plus strand (A>G on the coding strand, the complement: DDOST is on the minus strand). VCF-style: chr1-20652640-T-C. GRCh37 (hg19) VCF-style: chr1-20979133-T-C.
Other names: short protein forms H384R.
Identifiers: ClinVar variation 1717499 (VCV001717499.6), dbSNP rs2545272745, ClinGen allele CA338845835.

ClinVar aggregate classification (germline): Uncertain significance (1 of 4 stars; one submission).

Conditions:
Congenital disorder of glycosylation type Ir (CDG1R). Also called: DDOST-congenital disorder of glycosylation. Identifiers: Orphanet 300536, MedGen C3281084, MONDO:0013789, OMIM 614507.

Submission:

Labcorp Genetics (formerly Invitae), Labcorp
Classification: Uncertain significance for Congenital disorder of glycosylation type Ir. Last evaluated: 2022-09-24. Review status: criteria provided, single submitter. Criteria: Invitae Variant Classification Sherloc (09022015). Collection method: clinical testing. Allele origin: germline.
Comment: In summary, the available evidence is currently insufficient to determine the role of this variant in disease. Therefore, it has been classified as a Variant of Uncertain Significance. Advanced modeling of protein sequence and biophysical properties (such as structural, functional, and spatial information, amino acid conservation, physicochemical variation, residue mobility, and thermodynamic stability) performed at Invitae indicates that this missense variant is not expected to disrupt DDOST protein function. This variant has not been reported in the literature in individuals affected with DDOST-related conditions. This variant is not present in population databases (gnomAD no frequency). This sequence change replaces histidine, which is basic and polar, with arginine, which is basic and polar, at codon 401 of the DDOST protein (p.His401Arg).